The following is an entry in ClinVar:

NM_001206927.2(DNAH8):c.2583+6A>G

Gene: DNAH8 (dynein axonemal heavy chain 8; plus strand). Cytogenetic location: 6p21.2.
Variant type: single nucleotide variant.
Coding change: c.2583+6A>G on transcript NM_001206927.2 (MANE Select); 6 bases into the intron after coding-DNA position 2583, A replaced by G.
Molecular consequence: intron variant.
Genome position (GRCh38, 1-based): chr6:38,786,958, A>G. VCF-style: chr6-38786958-A-G. GRCh37 (hg19) VCF-style: chr6-38754734-A-G.
Other names: c.1932+6A>G (NM_001371.4).
Identifiers: ClinVar variation 2185552 (VCV002185552.4), dbSNP rs1769216498, ClinGen allele CA1622400583.

ClinVar aggregate classification (germline): Uncertain significance (1 of 4 stars; one submission).

Conditions:
Primary ciliary dyskinesia. Also called: Ciliary dyskinesia. Identifiers: Orphanet 244, MedGen C0008780, MONDO:0016575, HP:0012265.

gnomAD v4.1: 4 of 1,572,786 alleles (0.00025%); highest among the groups gnomAD compares: South Asian, 0.0012%; no homozygotes.

Submission:

Labcorp Genetics (formerly Invitae), Labcorp
Classification: Uncertain significance for Primary ciliary dyskinesia. Last evaluated: 2022-04-06. Review status: criteria provided, single submitter. Criteria: Invitae Variant Classification Sherloc (09022015). Collection method: clinical testing. Allele origin: germline.
Comment: In summary, the available evidence is currently insufficient to determine the role of this variant in disease. Therefore, it has been classified as a Variant of Uncertain Significance. Variants that disrupt the consensus splice site are a relatively common cause of aberrant splicing (PMID: 17576681, 9536098). Algorithms developed to predict the effect of sequence changes on RNA splicing suggest that this variant is not likely to affect RNA splicing. This variant has not been reported in the literature in individuals affected with DNAH8-related conditions. This variant is not present in population databases (gnomAD no frequency). This sequence change falls in intron 18 of the DNAH8 gene. It does not directly change the encoded amino acid sequence of the DNAH8 protein. It affects a nucleotide within the consensus splice site.

Literature cited by the submitters: PubMed 17576681; PubMed 9536098.